The following is an entry in ClinVar:

ClinVar aggregate classification (germline): Uncertain significance. Review status: criteria provided, multiple submitters, no conflicts (2 of 4 stars). 2 submissions from 2 submitters: Uncertain significance (2). Last evaluated 2024-01-01.

Allele frequency attached by ClinVar (database versions not stated): TOPMed 0.00002.
gnomAD v4.1: 6 of 1,613,600 alleles (0.00037%); highest among the groups gnomAD compares: Non-Finnish European, 0.00051%; no homozygotes.

Submissions (2):

CeGaT Center for Human Genetics Tuebingen
Classification: Uncertain significance. Last evaluated: 2024-01-01. Review status: criteria provided, single submitter. Criteria: CeGaT Center For Human Genetics Tuebingen Variant Classification Criteria Version 2. Collection method: clinical testing. Allele origin: germline. Affected: yes. Observed: 1 variant allele.
Comment: SZT2: PM2

Labcorp Genetics (formerly Invitae), Labcorp
Classification: Uncertain significance. Last evaluated: 2020-01-18. Review status: criteria provided, single submitter. Criteria: Invitae Variant Classification Sherloc (09022015). Collection method: clinical testing. Allele origin: germline.
Comment: In summary, the available evidence is currently insufficient to determine the role of this variant in disease. Therefore, it has been classified as a Variant of Uncertain Significance. Algorithms developed to predict the effect of missense changes on protein structure and function are either unavailable or do not agree on the potential impact of this missense change (SIFT: "Deleterious"; PolyPhen-2: "Benign"; Align-GVGD: "Class C25"). This variant has not been reported in the literature in individuals with SZT2-related conditions. This variant is not present in population databases (ExAC no frequency). This sequence change replaces arginine with glycine at codon 1249 of the SZT2 protein (p.Arg1249Gly). The arginine residue is highly conserved and there is a moderate physicochemical difference between arginine and glycine.

NM_001365999.1(SZT2):c.3916C>G (p.Arg1306Gly)

Gene: SZT2 (SZT2 subunit of KICSTOR complex; plus strand). Cytogenetic location: 1p34.2.
Variant type: single nucleotide variant.
Coding change: c.3916C>G on transcript NM_001365999.1 (MANE Select); coding-DNA position 3916, C replaced by G.
Protein change: p.Arg1306Gly; replaces arginine 1306 with glycine.
Molecular consequence: missense variant.
Genome position (GRCh38, 1-based): chr1:43,428,115, C>G. VCF-style: chr1-43428115-C-G. GRCh37 (hg19) VCF-style: chr1-43893786-C-G.
Other names: c.3745C>G, p.Arg1249Gly (NM_015284.4); short protein forms R1249G, R1306G.
Identifiers: ClinVar variation 1006786 (VCV001006786.30), dbSNP rs760099699, ClinGen allele CA340019583.